The following is an entry in ClinVar:

ClinVar aggregate classification (germline): Pathogenic/Likely pathogenic. Review status: criteria provided, multiple submitters, no conflicts (2 of 4 stars). 3 submissions from 3 submitters: Pathogenic (1); Likely pathogenic (2). Last evaluated 2024-06-05.

Conditions:
CFTR-related disorder (CFTR-RD). Also called: CFTR-related condition; CFTR-related disorders. Identifiers: MedGen C5924204, MONDO:7770004.
Cystic fibrosis (CF). Also called: MUCOVISCIDOSIS. Identifiers: Orphanet 586, MedGen C0010674, MONDO:0009061, OMIM 219700. Disease mechanism: loss of function.

Submissions (3):

Natera, Inc.
Classification: Likely pathogenic for CFTR-related disorders. Last evaluated: 2024-06-05. Review status: criteria provided, single submitter. Criteria: Natera Variant Classification Schema (03/2026). Collection method: clinical testing. Allele origin: germline.
Comment: The c.892A>T variant in CFTR is a nonsense variant predicted to introduce a stop codon at amino acid 298. This variant is expected to result in nonsense mediated decay, truncation, or a dysfunctional protein product. This variant is rare in the general population with a frequency below the threshold expected for the associated phenotype(s). Given the available evidence, this variant is classified as Likely Pathogenic.

Labcorp Genetics (formerly Invitae), Labcorp
Classification: Pathogenic for Cystic fibrosis. Last evaluated: 2022-04-09. Review status: criteria provided, single submitter. Criteria: Invitae Variant Classification Sherloc (09022015). Collection method: clinical testing. Allele origin: germline.
Comment: This sequence change creates a premature translational stop signal (p.Lys298*) in the CFTR gene. It is expected to result in an absent or disrupted protein product. Loss-of-function variants in CFTR are known to be pathogenic (PMID: 1695717, 7691345, 9725922). This variant is not present in population databases (gnomAD no frequency). This variant has not been reported in the literature in individuals affected with CFTR-related conditions. ClinVar contains an entry for this variant (Variation ID: 801159). Algorithms developed to predict the effect of sequence changes on RNA splicing suggest that this variant may disrupt the consensus splice site. For these reasons, this variant has been classified as Pathogenic.

Quest Diagnostics Nichols Institute San Juan Capistrano
Classification: Likely pathogenic. Last evaluated: 2019-01-04. Review status: criteria provided, single submitter. Criteria: Quest Diagnostics criteria. Collection method: clinical testing. Allele origin: germline.
Comment: The variant creates a premature nonsense codon, and is therefore predicted to result in the loss of a functional protein. Not found in the total gnomAD dataset, and the data are high quality.

Literature cited by the submitters: PubMed 1695717 (cited by Labcorp Genetics (formerly Invitae), Labcorp); PubMed 7691345 (cited by Labcorp Genetics (formerly Invitae), Labcorp); PubMed 9725922 (cited by Labcorp Genetics (formerly Invitae), Labcorp).

NM_000492.4(CFTR):c.892A>T (p.Lys298Ter)

Gene: CFTR (CF transmembrane conductance regulator; plus strand). Cytogenetic location: 7q31.2.
Variant type: single nucleotide variant.
Coding change: c.892A>T on transcript NM_000492.4 (MANE Select); coding-DNA position 892, A replaced by T.
Protein change: p.Lys298Ter; replaces lysine 298 with a stop codon.
Molecular consequence: nonsense.
Genome position (GRCh38, 1-based): chr7:117,540,122, A>T. VCF-style: chr7-117540122-A-T. GRCh37 (hg19) VCF-style: chr7-117180176-A-T.
Other names: short protein forms K298*.
Identifiers: ClinVar variation 801159 (VCV000801159.10), dbSNP rs1584789180, ClinGen allele CA368977969.